The following is an entry in ClinVar:

ClinVar aggregate classification (germline): Uncertain significance (1 of 4 stars; one submission).

gnomAD v4.1: 1 of 1,613,148 alleles (0.000062%); highest among the groups gnomAD compares: Non-Finnish European, 0.000085%; no homozygotes.

Submission:

Labcorp Genetics (formerly Invitae), Labcorp
Classification: Uncertain significance. Last evaluated: 2024-11-04. Review status: criteria provided, single submitter. Criteria: Invitae Variant Classification Sherloc (09022015). Collection method: clinical testing. Allele origin: germline.
Comment: This sequence change replaces aspartic acid, which is acidic and polar, with alanine, which is neutral and non-polar, at codon 710 of the HYOU1 protein (p.Asp710Ala). This variant is not present in population databases (gnomAD no frequency). This variant has not been reported in the literature in individuals affected with HYOU1-related conditions. An algorithm developed to predict the effect of missense changes on protein structure and function (PolyPhen-2) suggests that this variant is likely to be tolerated. In summary, the available evidence is currently insufficient to determine the role of this variant in disease. Therefore, it has been classified as a Variant of Uncertain Significance.

NM_006389.5(HYOU1):c.2129A>C (p.Asp710Ala)

Gene: HYOU1 (hypoxia up-regulated 1; minus strand). Cytogenetic location: 11q23.3.
Variant type: single nucleotide variant.
Coding change: c.2129A>C on transcript NM_006389.5 (MANE Select); coding-DNA position 2129, A replaced by C.
Protein change: p.Asp710Ala; replaces aspartic acid 710 with alanine.
Molecular consequence: missense variant.
Genome position (GRCh38, 1-based): chr11:119,048,750, T>G on the plus strand (A>C on the coding strand, the complement: HYOU1 is on the minus strand). VCF-style: chr11-119048750-T-G. GRCh37 (hg19) VCF-style: chr11-118919462-T-G.
Other names: c.2129A>C, p.Asp710Ala (NM_001130991.3, NM_001411041.1); short protein forms D710A.
Identifiers: ClinVar variation 3681868 (VCV003681868.2).